The following is an entry in ClinVar:

ClinVar aggregate classification (germline): Uncertain significance (1 of 4 stars; one submission).

Submission:

CeGaT Center for Human Genetics Tuebingen
Classification: Uncertain significance. Last evaluated: 2026-08-01. Review status: criteria provided, single submitter. Criteria: CeGaT Center For Human Genetics Tuebingen Variant Classification Criteria Version 2. Collection method: clinical testing. Allele origin: germline. Affected: yes. Observed: 1 variant allele.
Comment: SYNE1: PM2, BP4

NM_182961.4(SYNE1):c.14011C>G (p.Leu4671Val)

Gene: SYNE1 (spectrin repeat containing nuclear envelope protein 1; minus strand). Cytogenetic location: 6q25.2.
Variant type: single nucleotide variant.
Coding change: c.14011C>G on transcript NM_182961.4 (MANE Select); coding-DNA position 14011, C replaced by G.
Protein change: p.Leu4671Val; replaces leucine 4671 with valine.
Molecular consequence: missense variant.
Genome position (GRCh38, 1-based): chr6:152,330,674, G>C on the plus strand (C>G on the coding strand, the complement: SYNE1 is on the minus strand). VCF-style: chr6-152330674-G-C. GRCh37 (hg19) VCF-style: chr6-152651809-G-C.
Other names: c.13798C>G, p.Leu4600Val (NM_033071.5); short protein forms L4600V, L4671V.
Identifiers: ClinVar variation 5040628 (VCV005040628.1).